The following is an entry in ClinVar:

NC_000002.11:g.(32289091_32312562)_(32958959_32999928)del

Genes: NLRC4 (NLR family CARD domain containing 4; minus strand), SLC30A6 (solute carrier family 30 member 6; plus strand), BIRC6 (baculoviral IAP repeat containing 6; plus strand), SPAST (spastin; plus strand), TTC27 (tetratricopeptide repeat domain 27; plus strand) and 1 more. Cytogenetic location: 2p22.3.
Variant type: Deletion.
Identifiers: ClinVar variation 988099 (VCV000988099.2).

ClinVar aggregate classification (germline): Likely pathogenic (1 of 4 stars; one submission).

Conditions:
Hereditary spastic paraplegia 4. Also called: Spastic Paraplegia 4; Spastic paraplegia 4, autosomal dominant; Familial spastic paraplegia autosomal dominant 2. Identifiers: Orphanet 100985, MedGen C1866855, MONDO:0008438, OMIM 182601.

Submission:

Neurogenetics Laboratory, Gh Pitie Salpetriere Aphp
Classification: Likely pathogenic for Hereditary spastic paraplegia 4. Review status: criteria provided, single submitter. Criteria: ACMG Guidelines, 2015. Collection method: clinical testing. Allele origin: unknown. Affected: no.